The following is an entry in ClinVar:

NM_016180.5(SLC45A2):c.1570C>T (p.Leu524Phe)

Gene: SLC45A2 (solute carrier family 45 member 2; minus strand). Cytogenetic location: 5p13.2.
Variant type: single nucleotide variant.
Coding change: c.1570C>T on transcript NM_016180.5 (MANE Select); coding-DNA position 1570, C replaced by T.
Protein change: p.Leu524Phe; replaces leucine 524 with phenylalanine.
Molecular consequence: missense variant.
Genome position (GRCh38, 1-based): chr5:33,944,671, G>A on the plus strand (C>T on the coding strand, the complement: SLC45A2 is on the minus strand). VCF-style: chr5-33944671-G-A. GRCh37 (hg19) VCF-style: chr5-33944776-G-A.
Other names: short protein forms L524F.
Identifiers: ClinVar variation 1432027 (VCV001432027.6), dbSNP rs565278457, ClinGen allele CA3225410.

ClinVar aggregate classification (germline): Uncertain significance. Review status: criteria provided, multiple submitters, no conflicts (2 of 4 stars). 2 submissions from 2 submitters: Uncertain significance (2). Last evaluated 2022-04-30.

Conditions:
SKIN/HAIR/EYE PIGMENTATION 5, BLACK/NONBLACK HAIR (SHEP5). Also called: SKIN/HAIR/EYE PIGMENTATION, VARIATION IN, 5; SKIN/HAIR/EYE PIGMENTATION 5, DARK/FAIR SKIN; SKIN/HAIR/EYE PIGMENTATION 5, DARK/LIGHT EYES. Identifiers: MedGen C2673584, OMIM 227240.
Oculocutaneous albinism type 4 (OCA4). Also called: Albinism, oculocutaneous, type IV. Identifiers: Orphanet 79435, MedGen C1847836, MONDO:0011683, OMIM 606574.

Allele frequency attached by ClinVar (database versions not stated): gnomAD 0.00001 and 0.00003; TOPMed 0.00001; ExAC 0.00008; 1000 Genomes Project 0.00020; gnomAD exomes 0.00008; 1000 Genomes Project 30x 0.00016.
gnomAD v4.1: 63 of 1,614,178 alleles (0.0039%); highest among the groups gnomAD compares: South Asian, 0.066%; no homozygotes.

Submissions (2):

Labcorp Genetics (formerly Invitae), Labcorp
Classification: Uncertain significance. Last evaluated: 2022-04-30. Review status: criteria provided, single submitter. Criteria: Invitae Variant Classification Sherloc (09022015). Collection method: clinical testing. Allele origin: germline.
Comment: This sequence change replaces leucine, which is neutral and non-polar, with phenylalanine, which is neutral and non-polar, at codon 524 of the SLC45A2 protein (p.Leu524Phe). This variant is present in population databases (rs565278457, gnomAD 0.06%). This variant has not been reported in the literature in individuals affected with SLC45A2-related conditions. Algorithms developed to predict the effect of missense changes on protein structure and function output the following: SIFT: "Tolerated"; PolyPhen-2: "Benign"; Align-GVGD: "Class C0". The phenylalanine amino acid residue is found in multiple mammalian species, which suggests that this missense change does not adversely affect protein function. In summary, the available evidence is currently insufficient to determine the role of this variant in disease. Therefore, it has been classified as a Variant of Uncertain Significance.

Fulgent Genetics
Classification: Uncertain significance for SKIN/HAIR/EYE PIGMENTATION 5, BLACK/NONBLACK HAIR; Oculocutaneous albinism type 4. Last evaluated: 2021-08-09. Review status: criteria provided, single submitter. Criteria: ACMG Guidelines, 2015. Collection method: clinical testing. Allele origin: unknown.